The following is an entry in ClinVar:

NM_000466.3(PEX1):c.2719-2A>G

Gene: PEX1 (peroxisomal biogenesis factor 1; minus strand). Cytogenetic location: 7q21.2.
Variant type: single nucleotide variant.
Coding change: c.2719-2A>G on transcript NM_000466.3 (MANE Select); the canonical splice acceptor site of the intron before coding-DNA position 2719, A replaced by G.
Molecular consequence: splice acceptor variant.
Genome position (GRCh38, 1-based): chr7:92,496,779, T>C on the plus strand (A>G on the coding strand, the complement: PEX1 is on the minus strand). VCF-style: chr7-92496779-T-C. GRCh37 (hg19) VCF-style: chr7-92126093-T-C.
Other names: c.2548-2A>G (NM_001282677.2); c.2095-2A>G (NM_001282678.2).
Identifiers: ClinVar variation 552936 (VCV000552936.8), dbSNP rs1554369234, ClinGen allele CA368171328.

ClinVar aggregate classification (germline): Likely pathogenic. Review status: criteria provided, multiple submitters, no conflicts (2 of 4 stars). 3 submissions from 3 submitters: Likely pathogenic (2). 1 of the submissions does not count toward it. Last evaluated 2023-05-22.

Conditions:
Zellweger spectrum disorders (ZS). Also called: Zellweger Spectrum Disorder; Zellweger Spectrum; Zellweger Spectrum Disorder (ZSD); Zellweger syndrome. Identifiers: Orphanet 912, MedGen C0043459, MONDO:0019609.
Heimler syndrome 1 (HMLR1). Also called: PEROXISOME BIOGENESIS DISORDER 1C. Identifiers: Orphanet 3220, MedGen C4551980, OMIM 234580, MONDO:0024544.
Peroxisome biogenesis disorder 1A (Zellweger) (PBD1A). Also called: Peroxisome biogenesis disorder 1a; Zellweger leukodystrophy. Identifiers: MedGen C4721541, MONDO:0008953, OMIM 214100.

Allele frequency attached by ClinVar (database versions not stated): gnomAD exomes 0.00001.
gnomAD v4.1: 5 of 1,594,326 alleles (0.00031%); highest among the groups gnomAD compares: Non-Finnish European, 0.00043%; no homozygotes.

Submissions (3):

Baylor Genetics
Classification: Likely pathogenic for Heimler syndrome 1. Last evaluated: 2023-05-22. Review status: criteria provided, single submitter. Criteria: ACMG Guidelines, 2015. Collection method: clinical testing. Allele origin: unknown.

Labcorp Genetics (formerly Invitae), Labcorp
Classification: Likely pathogenic for Zellweger spectrum disorders. Last evaluated: 2022-03-12. Review status: criteria provided, single submitter. Criteria: Invitae Variant Classification Sherloc (09022015). Collection method: clinical testing. Allele origin: germline.
Comment: This sequence change affects an acceptor splice site in intron 16 of the PEX1 gene. It is expected to disrupt RNA splicing. Variants that disrupt the donor or acceptor splice site typically lead to a loss of protein function (PMID: 16199547), and loss-of-function variants in PEX1 are known to be pathogenic (PMID: 9398847, 16086329, 16141001, 21031596, 26387595, 31831025). This variant is not present in population databases (gnomAD no frequency). In summary, the currently available evidence indicates that the variant is pathogenic, but additional data are needed to prove that conclusively. Therefore, this variant has been classified as Likely Pathogenic. Algorithms developed to predict the effect of sequence changes on RNA splicing suggest that this variant may disrupt the consensus splice site. ClinVar contains an entry for this variant (Variation ID: 552936). This variant has not been reported in the literature in individuals affected with PEX1-related conditions.

Counsyl
Classification: Likely pathogenic for Peroxisome biogenesis disorder 1A (Zellweger). Last evaluated: 2017-07-21. Review status: no assertion criteria provided. Collection method: clinical testing. Allele origin: unknown. Not counted in ClinVar's aggregate classification.

Literature cited by the submitters: PubMed 16199547 (cited by Labcorp Genetics (formerly Invitae), Labcorp); PubMed 9398847 (cited by Labcorp Genetics (formerly Invitae), Labcorp); PubMed 16086329 (cited by Labcorp Genetics (formerly Invitae), Labcorp); PubMed 16141001 (cited by Labcorp Genetics (formerly Invitae), Labcorp); PubMed 21031596 (cited by Labcorp Genetics (formerly Invitae), Labcorp); PubMed 26387595 (cited by Labcorp Genetics (formerly Invitae), Labcorp); PubMed 31831025 (cited by Labcorp Genetics (formerly Invitae), Labcorp).